The following is an entry in ClinVar:

ClinVar aggregate classification (germline): Conflicting classifications of pathogenicity. Review status: criteria provided, conflicting classifications (1 of 4 stars). 3 submissions from 3 submitters: Uncertain significance (1); Likely benign (2). Last evaluated 2025-03-04.

Conditions:
Hereditary cancer-predisposing syndrome. Also called: Neoplastic Syndromes, Hereditary; Hereditary Cancer Syndrome; Tumor predisposition; Hereditary neoplastic syndrome. Identifiers: Orphanet 140162, MedGen C0027672, MeSH D009386, MONDO:0015356.
Hereditary breast ovarian cancer syndrome. Also called: Hereditary breast and ovarian cancer syndrome; Hereditary breast and ovarian cancer syndrome (HBOC); BRCA1- and BRCA2-Associated Hereditary Breast and Ovarian Cancer; Hereditary breast and ovarian cancer; Hereditary breast and/or ovarian cancer syndrome; Breast and ovarian cancer. Identifiers: Orphanet 145, MedGen C0677776, MeSH D061325, MONDO:0003582. Disease mechanism: loss of function.

gnomAD v4.1: 2 of 1,601,652 alleles (0.00012%); highest among the groups gnomAD compares: Admixed American, 0.0017%; no homozygotes.

Submissions (3):

Center for Genomic Medicine, Rigshospitalet, Copenhagen University Hospital
Classification: Likely benign. Last evaluated: 2025-03-04. Review status: criteria provided, single submitter. Criteria: ACMG Guidelines, 2015. Collection method: clinical testing. Allele origin: germline.

Labcorp Genetics (formerly Invitae), Labcorp
Classification: Uncertain significance for Hereditary breast ovarian cancer syndrome. Last evaluated: 2024-01-17. Review status: criteria provided, single submitter. Criteria: Invitae Variant Classification Sherloc (09022015). Collection method: clinical testing. Allele origin: germline.
Comment: This sequence change replaces glycine, which is neutral and non-polar, with glutamic acid, which is acidic and polar, at codon 1376 of the BRCA2 protein (p.Gly1376Glu). This variant is not present in population databases (gnomAD no frequency). This variant has not been reported in the literature in individuals affected with BRCA2-related conditions. ClinVar contains an entry for this variant (Variation ID: 1039870). Advanced modeling of protein sequence and biophysical properties (such as structural, functional, and spatial information, amino acid conservation, physicochemical variation, residue mobility, and thermodynamic stability) performed at Invitae indicates that this missense variant is not expected to disrupt BRCA2 protein function with a negative predictive value of 95%. In summary, the available evidence is currently insufficient to determine the role of this variant in disease. Therefore, it has been classified as a Variant of Uncertain Significance.

University of Washington Department of Laboratory Medicine, University of Washington
Classification: Likely benign for Hereditary cancer-predisposing syndrome. Last evaluated: 2023-03-23. Review status: criteria provided, single submitter. Criteria: Dines et al. (Genet Med. 2020). Collection method: curation. Allele origin: germline.
Comment: Missense variant in a coldspot region where missense variants are very unlikely to be pathogenic (PMID:31911673).

BRCA2 exon 11 coldspot. Reclassification based on statistical prior probability.

NM_000059.4(BRCA2):c.4127G>A (p.Gly1376Glu)

Gene: BRCA2 (BRCA2 DNA repair associated; plus strand). Cytogenetic location: 13q13.1.
Variant type: single nucleotide variant.
Coding change: c.4127G>A on transcript NM_000059.4 (MANE Select); coding-DNA position 4127, G replaced by A.
Protein change: p.Gly1376Glu; replaces glycine 1376 with glutamic acid.
Molecular consequence: missense variant.
Genome position (GRCh38, 1-based): chr13:32,338,482, G>A. VCF-style: chr13-32338482-G-A. GRCh37 (hg19) VCF-style: chr13-32912619-G-A.
Other names: short protein forms G1376E.
Identifiers: ClinVar variation 1039870 (VCV001039870.15), dbSNP rs780458959, ClinGen allele CA387779357.